The following is an entry in ClinVar:

ClinVar aggregate classification (germline): Uncertain significance (1 of 4 stars; one submission).

Conditions:
Focal segmental glomerulosclerosis 8 (FSGS8). Identifiers: Orphanet 656, MedGen C4014993, MONDO:0014462, OMIM 616032.

Submission:

Victorian Clinical Genetics Services, Murdoch Childrens Research Institute
Classification: Uncertain significance for Focal segmental glomerulosclerosis 8. Last evaluated: 2025-10-07. Review status: criteria provided, single submitter. Criteria: ACMG Guidelines, 2015. Collection method: clinical testing. Allele origin: germline. Affected: yes.
Comment: This variant is classified as VUS-3B. Evidence in support of pathogenic classification: Variant is absent from gnomAD (v2, v3 and v4). Additional information: Variant is predicted to result in a missense amino acid change from Cys to Arg; This variant is heterozygous; This gene is associated with autosomal dominant disease; Alternative amino acid change(s) at the same position are present in gnomAD (Highest alelle count: v4: 55 heterozygotes, 0 homozygotes) ; This variant has no previous evidence of pathogenicity; No published evidence of segregation with disease has been identified for this variant; No published functional evidence has been identified for this variant; Another missense variant comparable to the one identified in this case has inconclusive previous evidence for pathogenicity. The p.(Cys437Tyr) variant has been classified as a VUS by a clinical laboratory in ClinVar; Missense variant with benign in silico prediction and high conservation; Loss of function is a known mechanism of disease in this gene and is associated with focal segmental glomerulosclerosis 8 (MIM#616032); Inheritance information for this variant is not currently available in this individual.

NM_018685.5(ANLN):c.1309T>C (p.Cys437Arg)

Gene: ANLN (anillin, actin binding protein; plus strand). Cytogenetic location: 7p14.2.
Variant type: single nucleotide variant.
Coding change: c.1309T>C on transcript NM_018685.5 (MANE Select); coding-DNA position 1309, T replaced by C.
Protein change: p.Cys437Arg; replaces cysteine 437 with arginine.
Molecular consequence: missense variant.
Genome position (GRCh38, 1-based): chr7:36,411,080, T>C. VCF-style: chr7-36411080-T-C. GRCh37 (hg19) VCF-style: chr7-36450689-T-C.
Other names: c.1309T>C, p.Cys437Arg (NM_001284301.3, NM_001284302.3); short protein forms C437R.
Identifiers: ClinVar variation 4532068 (VCV004532068.1).
Genomic context (GRCh38, chr7:36,411,080, plus strand): 5'-ACCGGCTCTTGTGTAAAATACAGCTTTTGATGGGTTTAGGAACGTCAAAAAGAACTAGCA[T>C]GTCTTCGTGGCCGATTTGACAAGGGCAATATATGGAGTGCAGAAAAAGGCGGAAACTCAA-3'
Protein context (NP_061155.2, residues 427-447): LKQERQKELA[Cys437Arg]LRGRFDKGNI